The following is an entry in ClinVar:

ClinVar aggregate classification (germline): Pathogenic. Review status: criteria provided, multiple submitters, no conflicts (2 of 4 stars). 2 submissions from 2 submitters: Pathogenic (2). Last evaluated 2024-12-24.

Conditions:
Hereditary cancer-predisposing syndrome. Also called: Tumor predisposition; Hereditary Cancer Syndrome; Neoplastic Syndromes, Hereditary; Hereditary neoplastic syndrome. Identifiers: Orphanet 140162, MedGen C0027672, MeSH D009386, MONDO:0015356.
Familial adenomatous polyposis 4 (FAP4). Also called: MSH3-related attenuated familial adenomatous polyposis. Identifiers: Orphanet 480536, MedGen C4310719, MONDO:0044300, OMIM 617100.

Submissions (2):

Ambry Genetics
Classification: Pathogenic for Hereditary cancer-predisposing syndrome. Last evaluated: 2024-12-24. Review status: criteria provided, single submitter. Criteria: Ambry Variant Classification Scheme 2023. Collection method: clinical testing. Allele origin: germline.
Comment: The c.1311_1313delGGCinsA pathogenic mutation, located in coding exon 8 of the MSH3 gene, results from the deletion of 3 nucleotides and insertion of one nucleotide causing a translational frameshift with a predicted alternate stop codon (p.L439Hfs*8). This variant is considered to be rare based on population cohorts in the Genome Aggregation Database (gnomAD). This alteration is expected to result in loss of function by premature protein truncation or nonsense-mediated mRNA decay. As such, this alteration is interpreted as a disease-causing mutation.

Myriad Genetics, Inc.
Classification: Pathogenic for Familial adenomatous polyposis 4. Last evaluated: 2024-10-30. Review status: criteria provided, single submitter. Criteria: Myriad Autosomal Dominant, Autosomal Recessive and X-Linked Classification Criteria (2023). Collection method: clinical testing. Allele origin: unknown.
Comment: This variant is considered pathogenic. This variant creates a frameshift predicted to result in premature protein truncation.

NM_002439.5(MSH3):c.1311_1313delinsA (p.Leu439fs)

Gene: MSH3 (mutS homolog 3; plus strand). Cytogenetic location: 5q14.1.
Variant type: Indel.
Coding change: c.1311_1313delinsA on transcript NM_002439.5 (MANE Select); coding-DNA positions 1311 to 1313, GGC replaced by A.
Protein change: p.Leu439fs; shifts the reading frame from leucine 439.
Molecular consequence: frameshift variant.
Genome position (GRCh38, 1-based): chr5:80,679,064-80,679,066, GGC replaced by A. VCF-style: chr5-80679064-GGC-A. GRCh37 (hg19) VCF-style: chr5-79974883-GGC-A.
Other names: c.1311_1313delGGCinsA (NM_002439.3); short protein forms L439fs.
Identifiers: ClinVar variation 3773510 (VCV003773510.2).